The following is an entry in ClinVar:

NM_000493.4(COL10A1):c.983C>G (p.Ala328Gly)

Genes: COL10A1 (collagen type X alpha 1 chain; minus strand), NT5DC1 (5'-nucleotidase domain containing 1; plus strand). Cytogenetic location: 6q22.1.
Variant type: single nucleotide variant.
Coding change: c.983C>G on transcript NM_000493.4 (MANE Select); coding-DNA position 983, C replaced by G.
Protein change: p.Ala328Gly; replaces alanine 328 with glycine.
Molecular consequence: missense variant. On other transcripts: intron variant (1).
Genome position (GRCh38, 1-based): chr6:116,121,133, G>C on the plus strand (C>G on the coding strand, the complement: COL10A1 is on the minus strand). VCF-style: chr6-116121133-G-C. GRCh37 (hg19) VCF-style: chr6-116442296-G-C.
Other names: c.983C>G, p.Ala328Gly (NM_001424106.1, NM_001424107.1); c.529+3188G>C (NM_152729.3); short protein forms A328G.
Identifiers: ClinVar variation 2628690 (VCV002628690.1), dbSNP rs772717193, ClinGen allele CA3968279.

ClinVar aggregate classification (germline): Uncertain significance (1 of 4 stars; one submission).

Conditions:
COL10A1-related disorder. Also called: COL10A1-related condition.

Allele frequency attached by ClinVar (database versions not stated): gnomAD exomes below 0.00001; ExAC 0.00001.
gnomAD v4.1: 2 of 1,613,516 alleles (0.00012%); highest among the groups gnomAD compares: Non-Finnish European, 0.00017%; no homozygotes.

Submission:

PreventionGenetics, part of Exact Sciences
Classification: Uncertain significance for COL10A1-related condition. Last evaluated: 2023-01-11. Review status: criteria provided, single submitter. Criteria: ACMG Guidelines, 2015. Collection method: clinical testing. Allele origin: germline.
Comment: The COL10A1 c.983C>G variant is predicted to result in the amino acid substitution p.Ala328Gly. To our knowledge, this variant has not been reported in the literature. This variant is reported in 0.00089% of alleles in individuals of European (Non-Finnish) descent in gnomAD. At this time, the clinical significance of this variant is uncertain due to the absence of conclusive functional and genetic evidence.